The following is an entry in ClinVar:

NM_006206.6(PDGFRA):c.590A>C (p.Lys197Thr)

Gene: PDGFRA (platelet derived growth factor receptor alpha; plus strand). Cytogenetic location: 4q12.
Variant type: single nucleotide variant.
Coding change: c.590A>C on transcript NM_006206.6 (MANE Select); coding-DNA position 590, A replaced by C.
Protein change: p.Lys197Thr; replaces lysine 197 with threonine.
Molecular consequence: missense variant.
Genome position (GRCh38, 1-based): chr4:54,263,889, A>C. VCF-style: chr4-54263889-A-C. GRCh37 (hg19) VCF-style: chr4-55130056-A-C.
Other names: c.590A>C, p.Lys197Thr (NM_001347827.2, NM_001347829.2); c.665A>C, p.Lys222Thr (NM_001347828.2); c.629A>C, p.Lys210Thr (NM_001347830.2); short protein forms K197T, K210T, K222T.
Identifiers: ClinVar variation 459110 (VCV000459110.15), dbSNP rs200484286, ClinGen allele CA2922316.

ClinVar aggregate classification (germline): Conflicting classifications of pathogenicity. Review status: criteria provided, conflicting classifications (1 of 4 stars). 3 submissions from 3 submitters: Uncertain significance (2); Likely benign (1). Last evaluated 2025-06-23.

Conditions:
Gastrointestinal stromal tumor. Also called: Gastrointestinal stroma tumor; Gastrointestinal stromal tumor, somatic. Identifiers: Orphanet 44890, MedGen C0238198, MeSH D046152, MONDO:0011719, OMIM 606764, HP:0100723.
Hereditary cancer-predisposing syndrome. Also called: Tumor predisposition; Hereditary neoplastic syndrome; Neoplastic Syndromes, Hereditary; Hereditary Cancer Syndrome. Identifiers: Orphanet 140162, MedGen C0027672, MeSH D009386, MONDO:0015356.

Allele frequency attached by ClinVar (database versions not stated): gnomAD exomes below 0.00001 and 0.00001; TOPMed below 0.00001; ExAC 0.00001; gnomAD 0.00001; 1000 Genomes Project 30x 0.00016; 1000 Genomes Project 0.00020.
gnomAD v4.1: 5 of 1,614,110 alleles (0.00031%); highest among the groups gnomAD compares: Non-Finnish European, 0.00042%; no homozygotes.

Submissions (3):

Labcorp Genetics (formerly Invitae), Labcorp
Classification: Uncertain significance for Gastrointestinal stromal tumor. Last evaluated: 2025-06-23. Review status: criteria provided, single submitter. Criteria: Invitae Variant Classification Sherloc (09022015). Collection method: clinical testing. Allele origin: germline.
Comment: This sequence change replaces lysine, which is basic and polar, with threonine, which is neutral and polar, at codon 197 of the PDGFRA protein (p.Lys197Thr). This variant is present in population databases (rs200484286, gnomAD 0.0009%). This variant has not been reported in the literature in individuals affected with PDGFRA-related conditions. ClinVar contains an entry for this variant (Variation ID: 459110). Invitae Evidence Modeling of protein sequence and biophysical properties (such as structural, functional, and spatial information, amino acid conservation, physicochemical variation, residue mobility, and thermodynamic stability) indicates that this missense variant is not expected to disrupt PDGFRA protein function with a negative predictive value of 80%. In summary, the available evidence is currently insufficient to determine the role of this variant in disease. Therefore, it has been classified as a Variant of Uncertain Significance.

GeneDx
Classification: Uncertain significance. Last evaluated: 2024-07-08. Review status: criteria provided, single submitter. Criteria: GeneDx Variant Classification Process June 2021. Collection method: clinical testing. Allele origin: germline. Affected: yes.
Comment: Not observed at significant frequency in large population cohorts (gnomAD); In silico analysis supports that this missense variant does not alter protein structure/function; Has not been previously published as pathogenic or benign to our knowledge; This variant is associated with the following publications: (PMID: 26689913)

Ambry Genetics
Classification: Likely benign for Hereditary cancer-predisposing syndrome. Last evaluated: 2019-12-06. Review status: criteria provided, single submitter. Criteria: Ambry Variant Classification Scheme 2023. Collection method: clinical testing. Allele origin: germline.